The following is an entry in ClinVar:

NM_001267550.2(TTN):c.29682G>A (p.Leu9894=)

Gene: TTN (titin; minus strand). Cytogenetic location: 2q31.2.
Variant type: single nucleotide variant.
Coding change: c.29682G>A on transcript NM_001267550.2 (MANE Select); coding-DNA position 29682, G replaced by A.
Protein change: p.Leu9894=; no amino-acid change (leucine 9894 retained).
Molecular consequence: synonymous variant. On other transcripts: intron variant (3).
Genome position (GRCh38, 1-based): chr2:178,704,889, C>T on the plus strand (G>A on the coding strand, the complement: TTN is on the minus strand). VCF-style: chr2-178704889-C-T. GRCh37 (hg19) VCF-style: chr2-179569616-C-T.
Other names: c.28731G>A, p.Leu9577= (NM_001256850.1); c.25950G>A, p.Leu8650= (NM_133378.4); c.13282+33193G>A (NM_003319.4); c.13858+33193G>A (NM_133437.4); c.13657+33193G>A (NM_133432.3).
Identifiers: ClinVar variation 4085331 (VCV004085331.8).

ClinVar aggregate classification (germline): Likely benign (1 of 4 stars; one submission).

Submission:

CeGaT Center for Human Genetics Tuebingen
Classification: Likely benign. Last evaluated: 2025-07-01. Review status: criteria provided, single submitter. Criteria: CeGaT Center For Human Genetics Tuebingen Variant Classification Criteria Version 2. Collection method: clinical testing. Allele origin: germline. Affected: yes. Observed: 1 variant allele.
Comment: TTN: PM2:Supporting, BP4, BP7